The following is an entry in ClinVar:

ClinVar aggregate classification (germline): Likely benign. Review status: criteria provided, multiple submitters, no conflicts (2 of 4 stars). 3 submissions from 3 submitters: Likely benign (3). Last evaluated 2025-10-18.

Conditions:
SNRNP200-related disorder. Also called: SNRNP200-related condition.

Allele frequency attached by ClinVar (database versions not stated): ExAC 0.00002; gnomAD exomes 0.00002; gnomAD 0.00005; TOPMed 0.00005.
gnomAD v4.1: 39 of 1,614,036 alleles (0.0024%); highest among the groups gnomAD compares: Admixed American, 0.028%; no homozygotes.

Submissions (3):

Labcorp Genetics (formerly Invitae), Labcorp
Classification: Likely benign. Last evaluated: 2025-10-18. Review status: criteria provided, single submitter. Criteria: Invitae Variant Classification Sherloc (09022015). Collection method: clinical testing. Allele origin: germline.

PreventionGenetics, part of Exact Sciences
Classification: Likely benign for SNRNP200-related condition. Last evaluated: 2025-09-15. Review status: criteria provided, single submitter. Criteria: ACMG Guidelines, 2015. Collection method: clinical testing. Allele origin: germline.
Comment: This variant is classified as likely benign based on ACMG/AMP sequence variant interpretation guidelines (Richards et al. 2015 PMID: 25741868, with internal and published modifications).

Blueprint Genetics
Classification: Likely benign. Last evaluated: 2022-02-03. Review status: criteria provided, single submitter. Criteria: ACMG Guidelines, 2015. Collection method: clinical testing. Allele origin: germline.

NM_014014.5(SNRNP200):c.4035C>T (p.Asn1345=)

Gene: SNRNP200 (small nuclear ribonucleoprotein U5 subunit 200; minus strand). Cytogenetic location: 2q11.2.
Variant type: single nucleotide variant.
Coding change: c.4035C>T on transcript NM_014014.5 (MANE Select); coding-DNA position 4035, C replaced by T.
Protein change: p.Asn1345=; no amino-acid change (asparagine 1345 retained).
Molecular consequence: synonymous variant.
Genome position (GRCh38, 1-based): chr2:96,285,309, G>A on the plus strand (C>T on the coding strand, the complement: SNRNP200 is on the minus strand). VCF-style: chr2-96285309-G-A. GRCh37 (hg19) VCF-style: chr2-96951047-G-A.
Other names: c.4035C>T (NM_014014.4).
Identifiers: ClinVar variation 2176649 (VCV002176649.6), dbSNP rs772328781, ClinGen allele CA1778312.